The following is an entry in ClinVar:

ClinVar aggregate classification (germline): Uncertain significance (1 of 4 stars; one submission).

Submission:

Women's Health and Genetics/Laboratory Corporation of America, LabCorp
Classification: Uncertain significance. Last evaluated: 2024-09-18. Review status: criteria provided, single submitter. Criteria: LabCorp Variant Classification Summary - May 2015. Collection method: clinical testing. Allele origin: germline.
Comment: Variant summary: PRKACB c.832G>A (p.Glu278Lys) results in a conservative amino acid change in the encoded protein sequence. Three of five in-silico tools predict a damaging effect of the variant on protein function. The frequency data for this variant in gnomAD is considered unreliable, as metrics indicate poor data quality at this position. To our knowledge, no occurrence of c.832G>A in individuals affected with Cardioacrofacial Dysplasia 2 and no experimental evidence demonstrating its impact on protein function have been reported. No submitters have cited clinical-significance assessments for this variant to ClinVar. Based on the evidence outlined above, the variant was classified as uncertain significance.

NM_182948.4(PRKACB):c.832G>A (p.Glu278Lys)

Gene: PRKACB (protein kinase cAMP-activated catalytic subunit beta; plus strand). Cytogenetic location: 1p31.1.
Variant type: single nucleotide variant.
Coding change: c.832G>A on transcript NM_182948.4 (MANE Select); coding-DNA position 832, G replaced by A.
Protein change: p.Glu278Lys; replaces glutamic acid 278 with lysine.
Molecular consequence: missense variant.
Genome position (GRCh38, 1-based): chr1:84,202,731, G>A. VCF-style: chr1-84202731-G-A. GRCh37 (hg19) VCF-style: chr1-84668414-G-A.
Other names: c.712G>A, p.Glu238Lys (NM_001242857.3, NM_001375569.1, NM_001375581.1); c.655G>A, p.Glu219Lys (NM_001242858.3, NM_001300917.2, NM_001375578.1); c.703G>A, p.Glu235Lys (NM_001242859.3, NM_001375572.1); c.709G>A, p.Glu237Lys (NM_001242860.3, NM_001300915.2, NM_001375571.1); c.601G>A, p.Glu201Lys (NM_001242861.3); c.652G>A, p.Glu218Lys (NM_001242862.3, NM_001375565.1, NM_001375579.1 and 1 more transcripts); c.832G>A, p.Glu278Lys (NM_001300916.2); c.700G>A, p.Glu234Lys (NM_001375560.1, NM_001375573.1, NM_001375575.1); and 5 more; short protein forms E201K, E218K, E219K, E226K, E227K, E229K, E230K, E231K.
Identifiers: ClinVar variation 3375391 (VCV003375391.1).
Genomic context (GRCh38, chr1:84,202,731, plus strand): 5'-GGTTTATCTCAGGGCTACAATAAGGCAGTGGATTGGTGGGCATTAGGAGTGCTAATCTAT[G>A]AAATGGCAGCTGGCTATCCCCCATTCTTTGCAGACCAACCAATTCAGATTTATGAAAAGA-3'
Protein context (NP_891993.1, residues 268-288): DWWALGVLIY[Glu278Lys]MAAGYPPFFA